The following is an entry in ClinVar:

ClinVar aggregate classification (germline): Uncertain significance. Review status: criteria provided, multiple submitters, no conflicts (2 of 4 stars). 2 submissions from 2 submitters: Uncertain significance (2). Last evaluated 2024-12-10.

Conditions:
Idiopathic generalized epilepsy. Also called: EIG; Generalised epilepsy. Identifiers: MedGen C0270850, MONDO:0005579, OMIM 600669.
Epilepsy, childhood absence 4 (ECA4). Also called: EPILEPSY, CHILDHOOD ABSENCE, SUSCEPTIBILITY TO, 4. Identifiers: Orphanet 307, MedGen C1970160.
Epilepsy, idiopathic generalized, susceptibility to, 13. Also called: EPILEPSY, JUVENILE MYOCLONIC, SUSCEPTIBILITY TO, 5. Identifiers: Orphanet 307, Orphanet 64280, MedGen C4013473, MONDO:0012627, OMIM 611136.
Developmental and epileptic encephalopathy, 19 (DEE19). Also called: Epileptic encephalopathy, early infantile, 19. Identifiers: Orphanet 33069, MedGen C3810400, MONDO:0014328, OMIM 615744.

gnomAD v4.1: 7 of 1,613,846 alleles (0.00043%); highest among the groups gnomAD compares: Non-Finnish European, 0.00051%; no homozygotes.

Submissions (2):

Labcorp Genetics (formerly Invitae), Labcorp
Classification: Uncertain significance for Epilepsy, childhood absence 4; Epilepsy, idiopathic generalized, susceptibility to, 13; Idiopathic generalized epilepsy. Last evaluated: 2024-12-10. Review status: criteria provided, single submitter. Criteria: Invitae Variant Classification Sherloc (09022015). Collection method: clinical testing. Allele origin: germline.
Comment: This sequence change replaces valine, which is neutral and non-polar, with methionine, which is neutral and non-polar, at codon 319 of the GABRA1 protein (p.Val319Met). This variant is not present in population databases (gnomAD no frequency). This variant has not been reported in the literature in individuals affected with GABRA1-related conditions. ClinVar contains an entry for this variant (Variation ID: 1378537). Invitae Evidence Modeling of protein sequence and biophysical properties (such as structural, functional, and spatial information, amino acid conservation, physicochemical variation, residue mobility, and thermodynamic stability) has been performed for this missense variant. However, the output from this modeling did not meet the statistical confidence thresholds required to predict the impact of this variant on GABRA1 protein function. In summary, the available evidence is currently insufficient to determine the role of this variant in disease. Therefore, it has been classified as a Variant of Uncertain Significance.

Revvity Omics, Revvity
Classification: Uncertain significance for Developmental and epileptic encephalopathy, 19. Last evaluated: 2020-02-24. Review status: criteria provided, single submitter. Criteria: ACMG Guidelines, 2015. Collection method: clinical testing. Allele origin: germline.

NM_001127644.2(GABRA1):c.955G>A (p.Val319Met)

Gene: GABRA1 (gamma-aminobutyric acid type A receptor subunit alpha1; plus strand). Cytogenetic location: 5q34.
Variant type: single nucleotide variant.
Coding change: c.955G>A on transcript NM_001127644.2 (MANE Select); coding-DNA position 955, G replaced by A.
Protein change: p.Val319Met; replaces valine 319 with methionine.
Molecular consequence: missense variant.
Genome position (GRCh38, 1-based): chr5:161,895,764, G>A. VCF-style: chr5-161895764-G-A. GRCh37 (hg19) VCF-style: chr5-161322770-G-A.
Other names: c.955G>A, p.Val319Met (NM_000806.5, NM_001127643.2, NM_001127645.2 and 1 more transcripts); short protein forms V319M.
Identifiers: ClinVar variation 1378537 (VCV001378537.10), dbSNP rs2113464702, ClinGen allele CA362180276.